The following is an entry in ClinVar:

ClinVar aggregate classification (germline): Uncertain significance (1 of 4 stars; one submission).

Submission:

Labcorp Genetics (formerly Invitae), Labcorp
Classification: Uncertain significance. Last evaluated: 2025-06-04. Review status: criteria provided, single submitter. Criteria: Invitae Variant Classification Sherloc (09022015). Collection method: clinical testing. Allele origin: germline.
Comment: This sequence change replaces alanine, which is neutral and non-polar, with threonine, which is neutral and polar, at codon 32 of the HNRNPK protein (p.Ala32Thr). This variant is not present in population databases (gnomAD no frequency). This variant has not been reported in the literature in individuals affected with HNRNPK-related conditions. An algorithm developed to predict the effect of missense changes on protein structure and function (PolyPhen-2) suggests that this variant is likely to be disruptive. In summary, the available evidence is currently insufficient to determine the role of this variant in disease. Therefore, it has been classified as a Variant of Uncertain Significance.

NM_031263.4(HNRNPK):c.94G>A (p.Ala32Thr)

Gene: HNRNPK (heterogeneous nuclear ribonucleoprotein K; minus strand). Cytogenetic location: 9q21.32.
Variant type: single nucleotide variant.
Coding change: c.94G>A on transcript NM_031263.4 (MANE Select); coding-DNA position 94, G replaced by A.
Protein change: p.Ala32Thr; replaces alanine 32 with threonine.
Molecular consequence: missense variant.
Genome position (GRCh38, 1-based): chr9:83,977,751, C>T on the plus strand (G>A on the coding strand, the complement: HNRNPK is on the minus strand). VCF-style: chr9-83977751-C-T. GRCh37 (hg19) VCF-style: chr9-86592666-C-T.
Other names: c.94G>A, p.Ala32Thr (NM_001318186.2, NM_001318187.2, NM_001318188.2 and 2 more transcripts); short protein forms A32T.
Identifiers: ClinVar variation 4763482 (VCV004763482.1).